The following is an entry in ClinVar:

ClinVar aggregate classification (germline): Uncertain significance. Review status: criteria provided, multiple submitters, no conflicts (2 of 4 stars). 2 submissions from 2 submitters: Uncertain significance (2). Last evaluated 2025-03-21.

Submissions (2):

Ambry Genetics
Classification: Uncertain significance. Last evaluated: 2025-03-21. Review status: criteria provided, single submitter. Criteria: Ambry Variant Classification Scheme 2023. Collection method: clinical testing. Allele origin: germline.

Labcorp Genetics (formerly Invitae), Labcorp
Classification: Uncertain significance. Last evaluated: 2022-07-06. Review status: criteria provided, single submitter. Criteria: Invitae Variant Classification Sherloc (09022015). Collection method: clinical testing. Allele origin: germline.
Comment: In summary, the available evidence is currently insufficient to determine the role of this variant in disease. Therefore, it has been classified as a Variant of Uncertain Significance. Algorithms developed to predict the effect of missense changes on protein structure and function output the following: SIFT: "Tolerated"; PolyPhen-2: "Benign"; Align-GVGD: "Class C0". The alanine amino acid residue is found in multiple mammalian species, which suggests that this missense change does not adversely affect protein function. This sequence change replaces valine, which is neutral and non-polar, with alanine, which is neutral and non-polar, at codon 529 of the RECQL protein (p.Val529Ala). This variant is not present in population databases (gnomAD no frequency). This variant has not been reported in the literature in individuals affected with RECQL-related conditions. ClinVar contains an entry for this variant (Variation ID: 1014126).

NM_002907.4(RECQL):c.1586T>C (p.Val529Ala)

Gene: RECQL (RecQ like helicase; minus strand). Cytogenetic location: 12p12.1.
Variant type: single nucleotide variant.
Coding change: c.1586T>C on transcript NM_002907.4 (MANE Select); coding-DNA position 1586, T replaced by C.
Protein change: p.Val529Ala; replaces valine 529 with alanine.
Molecular consequence: missense variant.
Genome position (GRCh38, 1-based): chr12:21,471,509, A>G on the plus strand (T>C on the coding strand, the complement: RECQL is on the minus strand). VCF-style: chr12-21471509-A-G. GRCh37 (hg19) VCF-style: chr12-21624443-A-G.
Other names: c.1586T>C, p.Val529Ala (NM_032941.3); c.1586T>C (NM_002907.3); short protein forms V529A.
Identifiers: ClinVar variation 1014126 (VCV001014126.11), dbSNP rs1942963659, ClinGen allele CA384116092.